The following is an entry in ClinVar:

NM_000051.4(ATM):c.4029T>G (p.Ile1343Met)

Gene: ATM (ATM serine/threonine kinase; plus strand). Cytogenetic location: 11q22.3.
Variant type: single nucleotide variant.
Coding change: c.4029T>G on transcript NM_000051.4 (MANE Select); coding-DNA position 4029, T replaced by G.
Protein change: p.Ile1343Met; replaces isoleucine 1343 with methionine.
Molecular consequence: missense variant.
Genome position (GRCh38, 1-based): chr11:108,287,635, T>G. VCF-style: chr11-108287635-T-G. GRCh37 (hg19) VCF-style: chr11-108158362-T-G.
Other names: c.4029T>G, p.Ile1343Met (NM_001351834.2); short protein forms I1343M.
Identifiers: ClinVar variation 4827595 (VCV004827595.1).

ClinVar aggregate classification (germline): Uncertain significance (1 of 4 stars; one submission).

Conditions:
Hereditary cancer-predisposing syndrome. Also called: Neoplastic Syndromes, Hereditary; Tumor predisposition; Hereditary Cancer Syndrome; Hereditary neoplastic syndrome. Identifiers: Orphanet 140162, MedGen C0027672, MeSH D009386, MONDO:0015356.

Submission:

Ambry Genetics
Classification: Uncertain significance for Hereditary cancer-predisposing syndrome. Last evaluated: 2026-03-06. Review status: criteria provided, single submitter. Criteria: Ambry Variant Classification Scheme 2023. Collection method: clinical testing. Allele origin: germline.
Comment: The p.I1343M variant (also known as c.4029T>G), located in coding exon 26 of the ATM gene, results from a T to G substitution at nucleotide position 4029. The isoleucine at codon 1343 is replaced by methionine, an amino acid with highly similar properties. In an assay testing ATM function, this variant showed a functionally normal result (Lee KS et al. Cell, 2025 Sep;188:5081-5099.e27). This amino acid position is highly conserved in available vertebrate species. In addition, this alteration is predicted to be deleterious by in silico analysis. Based on the available evidence, the clinical significance of this variant remains unclear.

Literature cited by the submitters: PubMed 40580951.